The following is an entry in ClinVar:

ClinVar aggregate classification (germline): Likely pathogenic (1 of 4 stars; one submission).

Conditions:
Cobalamin C disease. Also called: Methylmalonic aciduria and homocystinuria, Vitamin B12-responsive; Vitamin B12 metabolic defect with combined deficiency of methylmalonyl-CoA mutase and homocysteine:methyltetrahydrofolate methyltransferase; methylmalonic aciduria and homocystinuria type cblC; Cobalamin-C methylmalonic acidemia and homocystinuria; Methylmalonic acidemia and homocystinuria cblC type; Methylmalonic aciduria with homocystinuria cblC type. Identifiers: Orphanet 26, Orphanet 79282, MedGen C1848561, MONDO:0010184, OMIM 277400.

Allele frequency attached by ClinVar (database versions not stated): gnomAD exomes below 0.00001 and 0.00001; ExAC 0.00001.
gnomAD v4.1: 4 of 1,613,976 alleles (0.00025%); highest among the groups gnomAD compares: Admixed American, 0.0033%; no homozygotes.

Submission:

Labcorp Genetics (formerly Invitae), Labcorp
Classification: Likely pathogenic for Cobalamin C disease. Last evaluated: 2024-02-12. Review status: criteria provided, single submitter. Criteria: Invitae Variant Classification Sherloc (09022015). Collection method: clinical testing. Allele origin: germline.
Comment: This sequence change replaces glycine, which is neutral and non-polar, with serine, which is neutral and polar, at codon 147 of the MMACHC protein (p.Gly147Ser). This variant is present in population databases (no rsID available, gnomAD 0.006%). This variant has not been reported in the literature in individuals affected with MMACHC-related conditions. ClinVar contains an entry for this variant (Variation ID: 1520764). Advanced modeling of protein sequence and biophysical properties (such as structural, functional, and spatial information, amino acid conservation, physicochemical variation, residue mobility, and thermodynamic stability) has been performed at Invitae for this missense variant, however the output from this modeling did not meet the statistical confidence thresholds required to predict the impact of this variant on MMACHC protein function. This variant disrupts the p.Gly147 amino acid residue in MMACHC. Other variant(s) that disrupt this residue have been determined to be pathogenic (PMID: 16311595, 16714133, 19370762, 19700356, 25672861). This suggests that this residue is clinically significant, and that variants that disrupt this residue are likely to be disease-causing. In summary, the currently available evidence indicates that the variant is pathogenic, but additional data are needed to prove that conclusively. Therefore, this variant has been classified as Likely Pathogenic.

Literature cited by the submitters: PubMed 16311595; PubMed 16714133; PubMed 19370762; PubMed 19700356; PubMed 25672861.

NM_015506.3(MMACHC):c.439G>A (p.Gly147Ser)

Gene: MMACHC (metabolism of cobalamin associated C; plus strand). Cytogenetic location: 1p34.1.
Variant type: single nucleotide variant.
Coding change: c.439G>A on transcript NM_015506.3 (MANE Select); coding-DNA position 439, G replaced by A.
Protein change: p.Gly147Ser; replaces glycine 147 with serine.
Molecular consequence: missense variant.
Genome position (GRCh38, 1-based): chr1:45,508,805, G>A. VCF-style: chr1-45508805-G-A. GRCh37 (hg19) VCF-style: chr1-45974477-G-A.
Other names: c.268G>A, p.Gly90Ser (NM_001330540.2); short protein forms G147S, G90S.
Identifiers: ClinVar variation 1520764 (VCV001520764.6), dbSNP rs1553162901, ClinGen allele CA827760.